The following is an entry in ClinVar:

ClinVar aggregate classification (germline): Uncertain significance (1 of 4 stars; one submission).

Conditions:
Bethlem myopathy 1A. Also called: Bethlem myopathy 1; Bethlem Muscular Dystrophy; MYOPATHY, BENIGN CONGENITAL, WITH CONTRACTURES. Identifiers: Orphanet 610, MedGen CN029274, MONDO:0024530, OMIM 158810.

gnomAD v4.1: 15 of 1,614,088 alleles (0.00093%); highest among the groups gnomAD compares: Non-Finnish European, 0.0012%; no homozygotes.

Submission:

Labcorp Genetics (formerly Invitae), Labcorp
Classification: Uncertain significance for Bethlem myopathy 1A. Last evaluated: 2025-11-21. Review status: criteria provided, single submitter. Criteria: Invitae Variant Classification Sherloc (09022015). Collection method: clinical testing. Allele origin: germline.
Comment: This sequence change replaces serine, which is neutral and polar, with glycine, which is neutral and non-polar, at codon 373 of the COL6A3 protein (p.Ser373Gly). This variant is present in population databases (rs755587896, gnomAD 0.002%). This variant has not been reported in the literature in individuals affected with COL6A3-related conditions. Invitae Evidence Modeling of protein sequence and biophysical properties (such as structural, functional, and spatial information, amino acid conservation, physicochemical variation, residue mobility, and thermodynamic stability) indicates that this missense variant is not expected to disrupt COL6A3 protein function with a negative predictive value of 95%. In summary, the available evidence is currently insufficient to determine the role of this variant in disease. Therefore, it has been classified as a Variant of Uncertain Significance.

NM_004369.4(COL6A3):c.1117A>G (p.Ser373Gly)

Gene: COL6A3 (collagen type VI alpha 3 chain; minus strand). Cytogenetic location: 2q37.3.
Variant type: single nucleotide variant.
Coding change: c.1117A>G on transcript NM_004369.4 (MANE Select); coding-DNA position 1117, A replaced by G.
Protein change: p.Ser373Gly; replaces serine 373 with glycine.
Molecular consequence: missense variant. On other transcripts: intron variant (2).
Genome position (GRCh38, 1-based): chr2:237,387,777, T>C on the plus strand (A>G on the coding strand, the complement: COL6A3 is on the minus strand). VCF-style: chr2-237387777-T-C. GRCh37 (hg19) VCF-style: chr2-238296420-T-C.
Other names: c.499A>G, p.Ser167Gly (NM_057165.5, NM_057167.4); c.92-6278A>G (NM_057166.5, NM_057164.5); short protein forms S373G, S167G.
Identifiers: ClinVar variation 4779012 (VCV004779012.1).